The following is an entry in ClinVar:

ClinVar aggregate classification (germline): Uncertain significance. Review status: criteria provided, multiple submitters, no conflicts (2 of 4 stars). 2 submissions from 2 submitters: Uncertain significance (2). Last evaluated 2024-04-18.

Conditions:
Hereditary cancer-predisposing syndrome. Also called: Tumor predisposition; Neoplastic Syndromes, Hereditary; Hereditary neoplastic syndrome; Hereditary Cancer Syndrome. Identifiers: Orphanet 140162, MedGen C0027672, MeSH D009386, MONDO:0015356.
Bloom syndrome (BLM). Also called: Bloom-Torre-Machacek syndrome. Identifiers: Orphanet 125, MedGen C0005859, MONDO:0008876, OMIM 210900.

Allele frequency attached by ClinVar (database versions not stated): gnomAD exomes below 0.00001.
gnomAD v4.1: 1 of 1,606,456 alleles (0.000062%); highest among the groups gnomAD compares: African/African-American, 0.0013%; no homozygotes.

Submissions (2):

Ambry Genetics
Classification: Uncertain significance for Hereditary cancer-predisposing syndrome. Last evaluated: 2024-04-18. Review status: criteria provided, single submitter. Criteria: Ambry Variant Classification Scheme 2023. Collection method: clinical testing. Allele origin: germline.
Comment: The p.N1022T variant (also known as c.3065A>C), located in coding exon 15 of the BLM gene, results from an A to C substitution at nucleotide position 3065. The asparagine at codon 1022 is replaced by threonine, an amino acid with similar properties. This amino acid position is conserved. In addition, the in silico prediction for this alteration is inconclusive. Based on the available evidence, the clinical significance of this variant remains unclear.

Mendelics
Classification: Uncertain significance for Bloom syndrome. Last evaluated: 2018-07-02. Review status: criteria provided, single submitter. Criteria: Mendelics Assertion Criteria 2017. Collection method: clinical testing. Allele origin: unknown.

NM_000057.4(BLM):c.3065A>C (p.Asn1022Thr)

Gene: BLM (BLM RecQ like helicase; plus strand). Cytogenetic location: 15q26.1.
Variant type: single nucleotide variant.
Coding change: c.3065A>C on transcript NM_000057.4 (MANE Select); coding-DNA position 3065, A replaced by C.
Protein change: p.Asn1022Thr; replaces asparagine 1022 with threonine.
Molecular consequence: missense variant.
Genome position (GRCh38, 1-based): chr15:90,794,212, A>C. VCF-style: chr15-90794212-A-C. GRCh37 (hg19) VCF-style: chr15-91337442-A-C.
Other names: c.3065A>C, p.Asn1022Thr (NM_001287246.2, NM_001287247.2); c.1940A>C, p.Asn647Thr (NM_001287248.2); c.3065A>C (NM_000057.2); short protein forms N1022T, N647T.
Identifiers: ClinVar variation 584895 (VCV000584895.3), dbSNP rs1567058281, ClinGen allele CA393846748.